The following is an entry in ClinVar:

ClinVar aggregate classification (germline): Uncertain significance (1 of 4 stars; one submission).

Allele frequency attached by ClinVar (database versions not stated): gnomAD exomes below 0.00001; TOPMed below 0.00001.
gnomAD v4.1: 2 of 1,205,485 alleles (0.00017%); highest among the groups gnomAD compares: Admixed American, 0.0043%; no homozygotes.

Submission:

Labcorp Genetics (formerly Invitae), Labcorp
Classification: Uncertain significance. Last evaluated: 2023-08-16. Review status: criteria provided, single submitter. Criteria: Invitae Variant Classification Sherloc (09022015). Collection method: clinical testing. Allele origin: germline.
Comment: This variant is present in population databases (no rsID available, gnomAD 0.008%). In summary, the available evidence is currently insufficient to determine the role of this variant in disease. Therefore, it has been classified as a Variant of Uncertain Significance. Advanced modeling of protein sequence and biophysical properties (such as structural, functional, and spatial information, amino acid conservation, physicochemical variation, residue mobility, and thermodynamic stability) performed at Invitae indicates that this missense variant is not expected to disrupt GRIA3 protein function. ClinVar contains an entry for this variant (Variation ID: 1946845). This variant has not been reported in the literature in individuals affected with GRIA3-related conditions. This sequence change replaces lysine, which is basic and polar, with glutamic acid, which is acidic and polar, at codon 146 of the GRIA3 protein (p.Lys146Glu).

NM_007325.5(GRIA3):c.436A>G (p.Lys146Glu)

Gene: GRIA3 (glutamate ionotropic receptor AMPA type subunit 3; plus strand). Cytogenetic location: Xq25.
Variant type: single nucleotide variant.
Coding change: c.436A>G on transcript NM_007325.5 (MANE Select); coding-DNA position 436, A replaced by G.
Protein change: p.Lys146Glu; replaces lysine 146 with glutamic acid.
Molecular consequence: missense variant.
Genome position (GRCh38, 1-based): chrX:123,253,470, A>G. VCF-style: chrX-123253470-A-G. GRCh37 (hg19) VCF-style: chrX-122387321-A-G.
Other names: c.436A>G, p.Lys146Glu (NM_000828.5); short protein forms K146E.
Identifiers: ClinVar variation 1946845 (VCV001946845.5), dbSNP rs1206751846, ClinGen allele CA414260674.